The following is an entry in ClinVar:

NM_000038.6(APC):c.5381A>C (p.Asp1794Ala)

Gene: APC (APC regulator of Wnt signaling pathway; plus strand). Cytogenetic location: 5q22.2.
Variant type: single nucleotide variant.
Coding change: c.5381A>C on transcript NM_000038.6 (MANE Select); coding-DNA position 5381, A replaced by C.
Protein change: p.Asp1794Ala; replaces aspartic acid 1794 with alanine.
Molecular consequence: missense variant. On other transcripts: non-coding transcript variant (2).
Genome position (GRCh38, 1-based): chr5:112,840,975, A>C. VCF-style: chr5-112840975-A-C. GRCh37 (hg19) VCF-style: chr5-112176672-A-C.
Other names: c.5381A>C, p.Asp1794Ala (NM_001127510.3, NM_001354895.2, NM_001407450.1); c.5327A>C, p.Asp1776Ala (NM_001127511.3); c.5435A>C, p.Asp1812Ala (NM_001354896.2, NM_001407447.1, NM_001407448.1 and 1 more transcripts); c.5411A>C, p.Asp1804Ala (NM_001354897.2); c.5306A>C, p.Asp1769Ala (NM_001354898.2); c.5297A>C, p.Asp1766Ala (NM_001354899.2); c.5258A>C, p.Asp1753Ala (NM_001354900.2); c.5204A>C, p.Asp1735Ala (NM_001354901.2, NM_001407453.1); and 11 more; short protein forms D1410A, D1511A, D1634A, D1665A, D1668A, D1693A, D1703A, D1711A.
Identifiers: ClinVar variation 3230736 (VCV003230736.3), dbSNP rs1490241563, ClinGen allele CA16033089.

ClinVar aggregate classification (germline): Uncertain significance. Review status: criteria provided, multiple submitters, no conflicts (2 of 4 stars). 2 submissions from 2 submitters: Uncertain significance (2). Last evaluated 2025-02-12.

Conditions:
Familial adenomatous polyposis 1 (FAP1). Also called: POLYPOSIS, ADENOMATOUS INTESTINAL; FAMILIAL ADENOMATOUS POLYPOSIS 1, ATTENUATED. Identifiers: MedGen C2713442, MONDO:0021056, OMIM 175100. Disease mechanism: loss of function.
Hereditary cancer-predisposing syndrome. Also called: Neoplastic Syndromes, Hereditary; Tumor predisposition; Hereditary neoplastic syndrome; Hereditary Cancer Syndrome. Identifiers: Orphanet 140162, MedGen C0027672, MeSH D009386, MONDO:0015356.

Submissions (2):

Labcorp Genetics (formerly Invitae), Labcorp
Classification: Uncertain significance for Familial adenomatous polyposis 1. Last evaluated: 2025-02-12. Review status: criteria provided, single submitter. Criteria: Invitae Variant Classification Sherloc (09022015). Collection method: clinical testing. Allele origin: germline.
Comment: This sequence change replaces aspartic acid, which is acidic and polar, with alanine, which is neutral and non-polar, at codon 1794 of the APC protein (p.Asp1794Ala). This variant is not present in population databases (gnomAD no frequency). This variant has not been reported in the literature in individuals affected with APC-related conditions. ClinVar contains an entry for this variant (Variation ID: 3230736). Invitae Evidence Modeling of protein sequence and biophysical properties (such as structural, functional, and spatial information, amino acid conservation, physicochemical variation, residue mobility, and thermodynamic stability) indicates that this missense variant is not expected to disrupt APC protein function with a negative predictive value of 95%. In summary, the available evidence is currently insufficient to determine the role of this variant in disease. Therefore, it has been classified as a Variant of Uncertain Significance.

Ambry Genetics
Classification: Uncertain significance for Hereditary cancer-predisposing syndrome. Last evaluated: 2023-10-12. Review status: criteria provided, single submitter. Criteria: Ambry Variant Classification Scheme 2023. Collection method: clinical testing. Allele origin: germline.
Comment: The p.D1794A variant (also known as c.5381A>C), located in coding exon 15 of the APC gene, results from an A to C substitution at nucleotide position 5381. The aspartic acid at codon 1794 is replaced by alanine, an amino acid with dissimilar properties. This amino acid position is conserved. In addition, in silico predictors for this gene do not accurately predict pathogenicity. Since supporting evidence is limited at this time, the clinical significance of this alteration remains unclear.